The following is an entry in ClinVar:

ClinVar aggregate classification (germline): Uncertain significance (1 of 4 stars; one submission).

Conditions:
Hereditary cancer-predisposing syndrome. Also called: Tumor predisposition; Hereditary neoplastic syndrome; Hereditary Cancer Syndrome; Neoplastic Syndromes, Hereditary. Identifiers: Orphanet 140162, MedGen C0027672, MeSH D009386, MONDO:0015356.

Allele frequency attached by ClinVar (database versions not stated): gnomAD exomes below 0.00001.
gnomAD v4.1: 2 of 1,614,108 alleles (0.00012%); highest among the groups gnomAD compares: Non-Finnish European, 0.000085%; no homozygotes.

Submission:

Ambry Genetics
Classification: Uncertain significance for Hereditary cancer-predisposing syndrome. Last evaluated: 2024-01-11. Review status: criteria provided, single submitter. Criteria: Ambry Variant Classification Scheme 2023. Collection method: clinical testing. Allele origin: germline.
Comment: The p.C1235W variant (also known as c.3705T>G), located in coding exon 24 of the ALK gene, results from a T to G substitution at nucleotide position 3705. The cysteine at codon 1235 is replaced by tryptophan, an amino acid with highly dissimilar properties. This amino acid position is conserved. In addition, this alteration is predicted to be deleterious by in silico analysis. Since supporting evidence is limited at this time, the clinical significance of this alteration remains unclear.

NM_004304.5(ALK):c.3705T>G (p.Cys1235Trp)

Gene: ALK (ALK receptor tyrosine kinase; minus strand). Cytogenetic location: 2p23.2.
Variant type: single nucleotide variant.
Coding change: c.3705T>G on transcript NM_004304.5 (MANE Select); coding-DNA position 3705, T replaced by G.
Protein change: p.Cys1235Trp; replaces cysteine 1235 with tryptophan.
Molecular consequence: missense variant.
Genome position (GRCh38, 1-based): chr2:29,214,022, A>C on the plus strand (T>G on the coding strand, the complement: ALK is on the minus strand). VCF-style: chr2-29214022-A-C. GRCh37 (hg19) VCF-style: chr2-29436888-A-C.
Other names: c.501T>G, p.Cys167Trp (NM_001353765.2); short protein forms C1235W, C167W.
Identifiers: ClinVar variation 3223871 (VCV003223871.1), dbSNP rs2148159389, ClinGen allele CA346471355.